The following is an entry in ClinVar:

NM_000158.4(GBE1):c.1644G>C (p.Trp548Cys)

Gene: GBE1 (1,4-alpha-glucan branching enzyme 1; minus strand). Cytogenetic location: 3p12.2.
Variant type: single nucleotide variant.
Coding change: c.1644G>C on transcript NM_000158.4 (MANE Select); coding-DNA position 1644, G replaced by C.
Protein change: p.Trp548Cys; replaces tryptophan 548 with cysteine.
Molecular consequence: missense variant.
Genome position (GRCh38, 1-based): chr3:81,537,070, C>G on the plus strand (G>C on the coding strand, the complement: GBE1 is on the minus strand). VCF-style: chr3-81537070-C-G. GRCh37 (hg19) VCF-style: chr3-81586221-C-G.
Other names: short protein forms W548C.
Identifiers: ClinVar variation 1699155 (VCV001699155.4), dbSNP rs1703086549, ClinGen allele CA353686639.

ClinVar aggregate classification (germline): Uncertain significance. Review status: criteria provided, multiple submitters, no conflicts (2 of 4 stars). 2 submissions from 2 submitters: Uncertain significance (2). Last evaluated 2022-02-02.

Conditions:
Glycogen storage disease due to glycogen branching enzyme deficiency, congenital neuromuscular form. Also called: GSD IV, NEUROMUSCULAR FORM, CONGENITAL; GLYCOGEN STORAGE DISEASE IV, CONGENITAL NEUROMUSCULAR. Identifiers: Orphanet 308670, MedGen C1856304, MONDO:0017698.

Submissions (2):

Victorian Clinical Genetics Services, Murdoch Childrens Research Institute
Classification: Uncertain significance for Glycogen storage disease due to glycogen branching enzyme deficiency, congenital neuromuscular form. Last evaluated: 2022-02-02. Review status: criteria provided, single submitter. Criteria: ACMG Guidelines, 2015. Collection method: clinical testing. Allele origin: germline. Inheritance: Autosomal recessive inheritance.
Comment: Based on the classification scheme VCGS_Germline_v1.3.4, this variant is classified as VUS-3A. Following criteria are met: 0102 - Loss of function is a known mechanism of disease in this gene and is associated with two allelic disorders; Glycogen storage disease IV (MIM#232500) and polyglucosan body disease, adult form (MIM#263570) (PMID: 17915577). (I) 0106 - This gene is associated with autosomal recessive disease. (I) 0200 - Variant is predicted to result in a missense amino acid change from tryptophan to cysteine. (I) 0252 - This variant is homozygous. (I) 0302 - Variant is present in gnomAD (v3) <0.001 (1 heterozygote, 0 homozygotes; different nucleotide change resulting in the same amino acid substitution). (SP) 0501 - Missense variant consistently predicted to be damaging by multiple in silico tools or highly conserved with a major amino acid change. (SP) 0600 - Variant is located in the annotated central catalytic domain (PMID: 30228975; 26199317). (I) 0705 - No comparable missense variants have previous evidence for pathogenicity. (I) 0807 - This variant has no previous evidence of pathogenicity. (I) 0905 - No published segregation evidence has been identified for this variant. (I) 1007 - No published functional evidence has been identified for this variant. (I) Legend: (SP) - Supporting pathogenic, (I) - Information, (SB) - Supporting benign

Blueprint Genetics
Classification: Uncertain significance. Last evaluated: 2020-06-11. Review status: criteria provided, single submitter. Criteria: ACMG Guidelines, 2015. Collection method: clinical testing. Allele origin: germline.

Literature cited by the submitters: PubMed 17915577 (cited by Victorian Clinical Genetics Services, Murdoch Childrens Research Institute); PubMed 26199317 (cited by Victorian Clinical Genetics Services, Murdoch Childrens Research Institute); PubMed 30228975 (cited by Victorian Clinical Genetics Services, Murdoch Childrens Research Institute).